The following is an entry in ClinVar:

ClinVar aggregate classification (germline): Conflicting classifications of pathogenicity. Review status: criteria provided, conflicting classifications (1 of 4 stars). 3 submissions from 3 submitters: Uncertain significance (1); Benign (1); Likely benign (1). Last evaluated 2018-01-13.

Conditions:
Hereditary spastic paraplegia. Also called: Familial spastic paraparesis. Identifiers: Orphanet 685, MedGen C0037773, MONDO:0019064. Disease mechanism: loss of function.
Hereditary spastic paraplegia 15 (SPG15). Also called: SPASTIC PARAPLEGIA 15, AUTOSOMAL RECESSIVE; KJELLIN SYNDROME; SPASTIC PARAPLEGIA AND RETINAL DEGENERATION. Identifiers: Orphanet 100996, MedGen C1849128, MONDO:0010044, OMIM 270700.

Allele frequency attached by ClinVar (database versions not stated): 1000 Genomes Project 0.01178; 1000 Genomes Project 30x 0.01234; TOPMed 0.02632; gnomAD 0.02813 and 0.02937.
gnomAD v4.1: 48,957 of 1,314,466 alleles (3.7%); highest among the groups gnomAD compares: Non-Finnish European, 4.4%; 1,102 homozygotes.

Submissions (3):

Illumina Laboratory Services, Illumina
Classification: Likely benign for Hereditary spastic paraplegia 15. Last evaluated: 2018-01-13. Review status: criteria provided, single submitter. Criteria: ICSL Variant Classification Criteria 13 December 2019. Collection method: clinical testing. Allele origin: germline.
Comment: This variant was observed in the ICSL laboratory as part of a predisposition screen in an ostensibly healthy population. It had not been previously curated by ICSL or reported in the Human Gene Mutation Database (HGMD: prior to June 1st, 2018), and was therefore a candidate for classification through an automated scoring system. Utilizing variant allele frequency, disease prevalence and penetrance estimates, and inheritance mode, an automated score was calculated to assess if this variant is too frequent to cause the disease. Based on the score and internal cut-off values, a variant classified as likely benign is not then subjected to further curation. The score for this variant resulted in a classification of likely benign for this disease.

GeneDx
Classification: Benign. Last evaluated: 2017-12-07. Review status: criteria provided, single submitter. Criteria: GeneDx Variant Classification (06012015). Collection method: clinical testing. Allele origin: germline. Affected: yes.
Comment: This variant is considered likely benign or benign based on one or more of the following criteria: it is a conservative change, it occurs at a poorly conserved position in the protein, it is predicted to be benign by multiple in silico algorithms, and/or has population frequency not consistent with disease.

Genome Diagnostics Laboratory, The Hospital for Sick Children
Classification: Uncertain significance for Hereditary spastic paraplegia. Last evaluated: 2016-12-20. Review status: criteria provided, single submitter. Criteria: ACMG Guidelines, 2015. Collection method: clinical testing. Allele origin: germline. Affected: yes.

NM_015346.4(ZFYVE26):c.-70A>T

Gene: ZFYVE26 (zinc finger FYVE-type containing 26; minus strand). Cytogenetic location: 14q24.1.
Variant type: single nucleotide variant.
Coding change: c.-70A>T on transcript NM_015346.4 (MANE Select); 70 bases upstream of the start codon, A replaced by T.
Molecular consequence: 5 prime UTR variant.
Genome position (GRCh38, 1-based): chr14:67,816,033, T>A on the plus strand (A>T on the coding strand, the complement: ZFYVE26 is on the minus strand). VCF-style: chr14-67816033-T-A. GRCh37 (hg19) VCF-style: chr14-68282750-T-A.
Identifiers: ClinVar variation 313937 (VCV000313937.8), dbSNP rs17192296, ClinGen allele CA10635139.